The following is an entry in ClinVar:

NM_001142966.3(GREB1L):c.4871G>A (p.Trp1624Ter)

Gene: GREB1L (GREB1 like retinoic acid receptor coactivator; plus strand). Cytogenetic location: 18q11.2.
Variant type: single nucleotide variant.
Coding change: c.4871G>A on transcript NM_001142966.3 (MANE Select); coding-DNA position 4871, G replaced by A.
Protein change: p.Trp1624Ter; replaces tryptophan 1624 with a stop codon.
Molecular consequence: nonsense.
Genome position (GRCh38, 1-based): chr18:21,513,956, G>A. VCF-style: chr18-21513956-G-A. GRCh37 (hg19) VCF-style: chr18-19093917-G-A.
Other names: c.5000G>A, p.Trp1667Ter (NM_001410867.1); c.4544G>A, p.Trp1515Ter (NM_001410868.1); short protein forms W1515*, W1624*, W1667*.
Identifiers: ClinVar variation 2631251 (VCV002631251.1), dbSNP rs2511993759, ClinGen allele CA401732090.
Genomic context (GRCh38, chr18:21,513,956, plus strand): 5'-GCATTAAACGCCAGTGTGTCTGGCCTTTCATCGTCATGATGGATGACTCATGTGTCCTAT[G>A]GAACATTCACAGTGTTCAGGAGCCATCCAGGTAGACTTCCAAGCTGGGGGCGTATGACAC-3'

ClinVar aggregate classification (germline): Likely pathogenic (1 of 4 stars; one submission).

Conditions:
GREB1L-related disorder. Also called: GREB1L-related condition.

Submission:

PreventionGenetics, part of Exact Sciences
Classification: Likely pathogenic for GREB1L-related condition. Last evaluated: 2023-08-21. Review status: criteria provided, single submitter. Criteria: ACMG Guidelines, 2015. Collection method: clinical testing. Allele origin: germline.
Comment: The GREB1L c.4871G>A variant is predicted to result in premature protein termination (p.Trp1624*). To our knowledge, this variant has not been reported in the literature or in a large population database, indicating this variant is rare. Nonsense variants in GREB1L are expected to be pathogenic. This variant is interpreted as likely pathogenic.